The following is an entry in ClinVar:

NM_000512.5(GALNS):c.218A>G (p.Tyr73Cys)

Gene: GALNS (galactosamine (N-acetyl)-6-sulfatase; minus strand). Cytogenetic location: 16q24.3.
Variant type: single nucleotide variant.
Coding change: c.218A>G on transcript NM_000512.5 (MANE Select); coding-DNA position 218, A replaced by G.
Protein change: p.Tyr73Cys; replaces tyrosine 73 with cysteine.
Molecular consequence: missense variant. On other transcripts: intron variant (1).
Genome position (GRCh38, 1-based): chr16:88,842,732, T>C on the plus strand (A>G on the coding strand, the complement: GALNS is on the minus strand). VCF-style: chr16-88842732-T-C. GRCh37 (hg19) VCF-style: chr16-88909140-T-C.
Other names: c.236A>G, p.Tyr79Cys (NM_001323544.2); c.-311-761A>G (NM_001323543.2); short protein forms Y73C, Y79C.
Identifiers: ClinVar variation 93173 (VCV000093173.15), dbSNP rs398123435, ClinGen allele CA221051.

ClinVar aggregate classification (germline): Conflicting classifications of pathogenicity. Review status: criteria provided, conflicting classifications (1 of 4 stars). 4 submissions from 4 submitters: Pathogenic (1); Likely pathogenic (2); Uncertain significance (1). Last evaluated 2024-01-20.

Conditions:
Mucopolysaccharidosis, MPS-IV-A (MPS4A). Also called: MPS IVA; Mucopolysaccharidosis Type IVA; Morquio syndrome A, mild; MORQUIO A DISEASE; mucopolysaccharidosis type 4A; Mucopolysaccharidosis type IV A. Identifiers: Orphanet 309297, Orphanet 582, MedGen C0086651, MONDO:0009659, OMIM 253000.

Allele frequency attached by ClinVar (database versions not stated): gnomAD exomes below 0.00001; TOPMed below 0.00001.
gnomAD v4.1: 2 of 1,613,004 alleles (0.00012%); highest among the groups gnomAD compares: African/African-American, 0.0027%; no homozygotes.

Submissions (4):

Labcorp Genetics (formerly Invitae), Labcorp
Classification: Pathogenic for Mucopolysaccharidosis, MPS-IV-A. Last evaluated: 2024-01-20. Review status: criteria provided, single submitter. Criteria: Invitae Variant Classification Sherloc (09022015). Collection method: clinical testing. Allele origin: germline.
Comment: This sequence change replaces tyrosine, which is neutral and polar, with cysteine, which is neutral and slightly polar, at codon 73 of the GALNS protein (p.Tyr73Cys). This variant is present in population databases (rs398123435, gnomAD 0.007%). This missense change has been observed in individual(s) with mucopolysaccharidosis type IVA (PMID: 23227063, 31200731). In at least one individual the data is consistent with being in trans (on the opposite chromosome) from a pathogenic variant. ClinVar contains an entry for this variant (Variation ID: 93173). Advanced modeling of protein sequence and biophysical properties (such as structural, functional, and spatial information, amino acid conservation, physicochemical variation, residue mobility, and thermodynamic stability) performed at Invitae indicates that this missense variant is expected to disrupt GALNS protein function with a positive predictive value of 95%. For these reasons, this variant has been classified as Pathogenic.

Genome-Nilou Lab
Classification: Likely pathogenic for Mucopolysaccharidosis, MPS-IV-A. Last evaluated: 2021-11-07. Review status: criteria provided, single submitter. Criteria: ACMG Guidelines, 2015. Collection method: clinical testing. Allele origin: germline. Affected: no.

Laboratory of Diagnosis and Therapy of Lysosomal Disorders, University of Padova
Classification: Likely pathogenic for Mucopolysaccharidosis, MPS-IV-A. Last evaluated: 2021-02-01. Review status: criteria provided, single submitter. Criteria: ACMG Guidelines, 2015. Collection method: curation. Allele origin: germline. Affected: yes.
Comment: The prevalence of the variant in affected individuals is significantly increased compared with the prevalence in controls (PS4_strong); very low frequency in gnomAD v2.1.1 (PM2_moderate); multiple lines of computational evidence support a deleterious effect on the gene (PP3_supporting)

Eurofins Ntd Llc (ga)
Classification: Uncertain significance. Last evaluated: 2013-07-26. Review status: criteria provided, single submitter. Criteria: EGL Classification Definitions 2015. Collection method: clinical testing. Allele origin: germline. Observed: 2 variant alleles, 2 heterozygotes.

Literature cited by the submitters: PubMed 23227063 (cited by Labcorp Genetics (formerly Invitae), Labcorp and Laboratory of Diagnosis and Therapy of Lysosomal Disorders, University of Padova); PubMed 31200731 (cited by Labcorp Genetics (formerly Invitae), Labcorp and Laboratory of Diagnosis and Therapy of Lysosomal Disorders, University of Padova); PubMed 23401410 (cited by Laboratory of Diagnosis and Therapy of Lysosomal Disorders, University of Padova); PubMed 34387910 (cited by Laboratory of Diagnosis and Therapy of Lysosomal Disorders, University of Padova).